The following is an entry in ClinVar:

ClinVar aggregate classification (germline): Likely pathogenic. Review status: criteria provided, multiple submitters, no conflicts (2 of 4 stars). 2 submissions from 2 submitters: Likely pathogenic (2). Last evaluated 2024-07-30.

Conditions:
Dilated cardiomyopathy 1G (CMD1G). Identifiers: Orphanet 154, MedGen C1858763, MONDO:0011400, OMIM 604145.
Autosomal recessive limb-girdle muscular dystrophy type 2J (LGMDR10). Also called: Limb-girdle muscular dystrophy, type 2J; MUSCULAR DYSTROPHY, LIMB-GIRDLE, AUTOSOMAL RECESSIVE 10. Identifiers: Orphanet 140922, MedGen C1837342, MONDO:0012127, OMIM 608807.

Submissions (2):

Labcorp Genetics (formerly Invitae), Labcorp
Classification: Likely pathogenic for Dilated cardiomyopathy 1G; Autosomal recessive limb-girdle muscular dystrophy type 2J. Last evaluated: 2024-07-30. Review status: criteria provided, single submitter. Criteria: Invitae Variant Classification Sherloc (09022015). Collection method: clinical testing. Allele origin: germline.
Comment: This sequence change creates a premature translational stop signal (p.Tyr31532*) in the TTN gene. While this is not anticipated to result in nonsense mediated decay, it is expected to create a truncated TTN protein. This variant is not present in population databases (gnomAD no frequency). This variant has not been reported in the literature in individuals affected with TTN-related conditions. This variant is located in the A band of TTN (PMID: 25589632). Truncating variants in this region are significantly overrepresented in patients affected with dilated cardiomyopathy (PMID: 25589632). Truncating variants in this region have also been reported in individuals affected with autosomal recessive centronuclear myopathy (PMID: 23975875). In summary, the currently available evidence indicates that the variant is pathogenic, but additional data are needed to prove that conclusively. Therefore, this variant has been classified as Likely Pathogenic.

GeneDx
Classification: Likely pathogenic. Last evaluated: 2023-12-17. Review status: criteria provided, single submitter. Criteria: GeneDx Variant Classification Process June 2021. Collection method: clinical testing. Allele origin: germline. Affected: yes.
Comment: Nonsense variant predicted to result in protein truncation or nonsense mediated decay in a gene for which loss of function is a known mechanism of disease; Located in the A-band region of TTN in which the majority of loss of function variants have been associated with autosomal dominant titinopathies (PMID: 22335739); Not observed at significant frequency in large population cohorts (gnomAD); Has not been previously published as pathogenic or benign to our knowledge; This variant is associated with the following publications: (PMID: 22335739)

Literature cited by the submitters: PubMed 25589632 (cited by Labcorp Genetics (formerly Invitae), Labcorp); PubMed 23975875 (cited by Labcorp Genetics (formerly Invitae), Labcorp).

NM_001267550.2(TTN):c.94596T>A (p.Tyr31532Ter)

Genes: TTN-AS1 (TTN antisense RNA 1; plus strand), TTN (titin; minus strand). Cytogenetic location: 2q31.2.
Variant type: single nucleotide variant.
Coding change: c.94596T>A on transcript NM_001267550.2 (MANE Select); coding-DNA position 94596, T replaced by A.
Protein change: p.Tyr31532Ter; replaces tyrosine 31532 with a stop codon.
Molecular consequence: nonsense.
Genome position (GRCh38, 1-based): chr2:178,546,832, A>T on the plus strand (T>A on the coding strand, the complement: TTN is on the minus strand). VCF-style: chr2-178546832-A-T. GRCh37 (hg19) VCF-style: chr2-179411559-A-T.
Other names: c.89673T>A, p.Tyr29891Ter (NM_001256850.1); c.67401T>A, p.Tyr22467Ter (NM_003319.4); c.86892T>A, p.Tyr28964Ter (NM_133378.4); c.67776T>A, p.Tyr22592Ter (NM_133432.3); c.67977T>A, p.Tyr22659Ter (NM_133437.4); short protein forms Y22467*, Y22592*, Y22659*, Y28964*, Y29891*, Y31532*.
Identifiers: ClinVar variation 3365637 (VCV003365637.3).